The following is an entry in ClinVar:

NM_014009.4(FOXP3):c.451C>T (p.Pro151Ser)

Gene: FOXP3 (forkhead box P3; minus strand). Cytogenetic location: Xp11.23.
Variant type: single nucleotide variant.
Coding change: c.451C>T on transcript NM_014009.4 (MANE Select); coding-DNA position 451, C replaced by T.
Protein change: p.Pro151Ser; replaces proline 151 with serine.
Molecular consequence: missense variant.
Genome position (GRCh38, 1-based): chrX:49,257,430, G>A on the plus strand (C>T on the coding strand, the complement: FOXP3 is on the minus strand). VCF-style: chrX-49257430-G-A. GRCh37 (hg19) VCF-style: chrX-49113887-G-A.
Other names: c.346C>T, p.Pro116Ser (NM_001114377.2); short protein forms P151S, P116S.
Identifiers: ClinVar variation 946375 (VCV000946375.9), dbSNP rs1557116520, ClinGen allele CA412952722.

ClinVar aggregate classification (germline): Uncertain significance (1 of 4 stars; one submission).

Conditions:
Insulin-dependent diabetes mellitus secretory diarrhea syndrome (IPEX). Also called: DIABETES MELLITUS, CONGENITAL INSULIN-DEPENDENT, WITH FATAL SECRETORY DIARRHEA; DIARRHEA, POLYENDOCRINOPATHY, FATAL INFECTION SYNDROME, X-LINKED; ENTEROPATHY, AUTOIMMUNE, WITH HEMOLYTIC ANEMIA AND POLYENDOCRINOPATHY; Immunodeficiency, Polyendocrinopathy, and Enteropathy X-Linked Syndrome; X-Linked Syndrome of Polyendocrinopathy, Immune Dysfunction, and Diarrhea; IPEX and IPEX-Like. Identifiers: Orphanet 37042, MedGen C0342288, MONDO:0010580, OMIM 304790. Disease mechanism: loss of function.

Submission:

Labcorp Genetics (formerly Invitae), Labcorp
Classification: Uncertain significance for Insulin-dependent diabetes mellitus secretory diarrhea syndrome. Last evaluated: 2024-12-03. Review status: criteria provided, single submitter. Criteria: Invitae Variant Classification Sherloc (09022015). Collection method: clinical testing. Allele origin: germline.
Comment: This sequence change replaces proline, which is neutral and non-polar, with serine, which is neutral and polar, at codon 151 of the FOXP3 protein (p.Pro151Ser). This variant is not present in population databases (gnomAD no frequency). This variant has not been reported in the literature in individuals affected with FOXP3-related conditions. ClinVar contains an entry for this variant (Variation ID: 946375). Invitae Evidence Modeling of protein sequence and biophysical properties (such as structural, functional, and spatial information, amino acid conservation, physicochemical variation, residue mobility, and thermodynamic stability) indicates that this missense variant is not expected to disrupt FOXP3 protein function with a negative predictive value of 80%. In summary, the available evidence is currently insufficient to determine the role of this variant in disease. Therefore, it has been classified as a Variant of Uncertain Significance.